The following is an entry in ClinVar:

ClinVar aggregate classification (germline): Likely benign (1 of 4 stars; one submission).

Allele frequency attached by ClinVar (database versions not stated): gnomAD exomes below 0.00001; TOPMed below 0.00001 and 0.00001; ExAC 0.00001.
gnomAD v4.1: 3 of 1,614,158 alleles (0.00019%); highest among the groups gnomAD compares: East Asian, 0.0067%; no homozygotes.

Submission:

GeneDx
Classification: Likely benign. Last evaluated: 2016-04-29. Review status: criteria provided, single submitter. Criteria: GeneDx Variant Classification (06012015). Collection method: clinical testing. Allele origin: germline. Affected: yes.
Comment: This variant is considered likely benign or benign based on one or more of the following criteria: it is a conservative change, it occurs at a poorly conserved position in the protein, it is predicted to be benign by multiple in silico algorithms, and/or has population frequency not consistent with disease.

NM_001845.6(COL4A1):c.2811C>T (p.Ser937=)

Gene: COL4A1 (collagen type IV alpha 1 chain; minus strand). Cytogenetic location: 13q34.
Variant type: single nucleotide variant.
Coding change: c.2811C>T on transcript NM_001845.6 (MANE Select); coding-DNA position 2811, C replaced by T.
Protein change: p.Ser937=; no amino-acid change (serine 937 retained).
Molecular consequence: synonymous variant.
Genome position (GRCh38, 1-based): chr13:110,176,943, G>A on the plus strand (C>T on the coding strand, the complement: COL4A1 is on the minus strand). VCF-style: chr13-110176943-G-A. GRCh37 (hg19) VCF-style: chr13-110829290-G-A.
Identifiers: ClinVar variation 385819 (VCV000385819.1), dbSNP rs765239658, ClinGen allele CA7047482.